The following is an entry in ClinVar:

ClinVar aggregate classification (germline): Uncertain significance. Review status: criteria provided, multiple submitters, no conflicts (2 of 4 stars). 4 submissions from 4 submitters: Uncertain significance (3). 1 of the submissions does not count toward it. Last evaluated 2026-04-13.

Conditions:
Hearing loss. Identifiers: MedGen C3887873.
OTOG-related disorder. Also called: OTOG-related condition.

Allele frequency attached by ClinVar (database versions not stated): gnomAD exomes 0.00002 and 0.00004; ExAC 0.00011; 1000 Genomes Project 0.00020; TOPMed 0.00002; gnomAD 0.00001; 1000 Genomes Project 30x 0.00016.
gnomAD v4.1: 33 of 1,551,056 alleles (0.0021%); highest among the groups gnomAD compares: South Asian, 0.0048%; no homozygotes.

Submissions (4):

GeneDx
Classification: Uncertain significance. Last evaluated: 2026-04-13. Review status: criteria provided, single submitter. Criteria: GeneDx Variant Classification Process June 2021. Collection method: clinical testing. Allele origin: germline.
Comment: In silico analysis suggests that this missense variant does not alter protein structure/function; Has not been previously published as pathogenic or benign to our knowledge

Labcorp Genetics (formerly Invitae), Labcorp
Classification: Uncertain significance. Last evaluated: 2022-03-22. Review status: criteria provided, single submitter. Criteria: Invitae Variant Classification Sherloc (09022015). Collection method: clinical testing. Allele origin: germline.
Comment: In summary, the available evidence is currently insufficient to determine the role of this variant in disease. Therefore, it has been classified as a Variant of Uncertain Significance. Algorithms developed to predict the effect of missense changes on protein structure and function are either unavailable or do not agree on the potential impact of this missense change (SIFT: "Deleterious"; PolyPhen-2: "Probably Damaging"; Align-GVGD: "Class C0"). ClinVar contains an entry for this variant (Variation ID: 229100). This variant has not been reported in the literature in individuals affected with OTOG-related conditions. This variant is present in population databases (rs188832359, gnomAD 0.009%). This sequence change replaces valine, which is neutral and non-polar, with methionine, which is neutral and non-polar, at codon 2345 of the OTOG protein (p.Val2345Met).

Laboratory for Molecular Medicine, Mass General Brigham Personalized Medicine
Classification: Uncertain significance. Last evaluated: 2015-09-30. Review status: criteria provided, single submitter. Criteria: LMM Criteria. Collection method: clinical testing. Allele origin: germline. Observed: 1 variant allele.
Comment: The p.Val2345Met variant in OTOG has not been previously reported in individuals with hearing loss, but has been identified in 1/5920 of European chromosomes an d in 1/7670 South Asian chromosomes by the Exome Aggregation Consortium (ExAC; rs188832359). Computational prediction tools and conservation analysis do not provide strong support for or against an impact to the protein. In summary, the clinical significance of the p.Val2345Met variant i s uncertain.

PreventionGenetics, part of Exact Sciences
Classification: Uncertain significance for OTOG-related condition. Last evaluated: 2024-04-17. Review status: no assertion criteria provided. Collection method: clinical testing. Allele origin: germline. Not counted in ClinVar's aggregate classification.
Comment: The OTOG c.7033G>A variant is predicted to result in the amino acid substitution p.Val2345Met. To our knowledge, this variant has not been reported in the literature. This variant is reported in 0.0089% of alleles in individuals of South Asian descent in gnomAD. At this time, the clinical significance of this variant is uncertain due to the absence of conclusive functional and genetic evidence.

NM_001292063.2(OTOG):c.6997G>A (p.Val2333Met)

Gene: OTOG (otogelin; plus strand). Cytogenetic location: 11p15.1.
Variant type: single nucleotide variant.
Coding change: c.6997G>A on transcript NM_001292063.2 (MANE Select); coding-DNA position 6997, G replaced by A.
Protein change: p.Val2333Met; replaces valine 2333 with methionine.
Molecular consequence: missense variant.
Genome position (GRCh38, 1-based): chr11:17,632,151, G>A. VCF-style: chr11-17632151-G-A. GRCh37 (hg19) VCF-style: chr11-17653698-G-A.
Other names: c.7033G>A, p.Val2345Met (NM_001277269.2); short protein forms V2345M, V2333M.
Identifiers: ClinVar variation 229100 (VCV000229100.14), dbSNP rs188832359, ClinGen allele CA5906082.